The following is an entry in ClinVar:

NM_177924.5(ASAH1):c.1138C>T (p.Gln380Ter)

Gene: ASAH1 (N-acylsphingosine amidohydrolase 1; minus strand). Cytogenetic location: 8p22.
Variant type: single nucleotide variant.
Coding change: c.1138C>T on transcript NM_177924.5 (MANE Select); coding-DNA position 1138, C replaced by T.
Protein change: p.Gln380Ter; replaces glutamine 380 with a stop codon.
Molecular consequence: nonsense.
Genome position (GRCh38, 1-based): chr8:18,057,584, G>A on the plus strand (C>T on the coding strand, the complement: ASAH1 is on the minus strand). VCF-style: chr8-18057584-G-A. GRCh37 (hg19) VCF-style: chr8-17915093-G-A.
Other names: c.1120C>T, p.Gln374Ter (NM_001127505.3); c.943C>T, p.Gln315Ter (NM_001363743.2); c.1186C>T, p.Gln396Ter (NM_004315.6); short protein forms Q380*, Q374*, Q315*, Q396*.
Identifiers: ClinVar variation 2025668 (VCV002025668.4), dbSNP rs2537909223, ClinGen allele CA370442665.
Genomic context (GRCh38, chr8:18,057,584, plus strand): 5'-AGACGTGTGCTCACCAACCTATACAAGGGTCAGGGCAGTCCCGCAGGTAAGTTTCGAATT[G>A]ACCTTTGGTAACATCTATCAAGGTTGTGTATACGGTCAGCTGAAAGAAAAGTTATTTTTA-3'

ClinVar aggregate classification (germline): Uncertain significance (1 of 4 stars; one submission).

Submission:

Labcorp Genetics (formerly Invitae), Labcorp
Classification: Uncertain significance. Last evaluated: 2022-08-21. Review status: criteria provided, single submitter. Criteria: Invitae Variant Classification Sherloc (09022015). Collection method: clinical testing. Allele origin: germline.
Comment: This sequence change creates a premature translational stop signal (p.Gln380*) in the ASAH1 gene. While this is not anticipated to result in nonsense mediated decay, it is expected to disrupt the last 16 amino acid(s) of the ASAH1 protein. This variant is not present in population databases (gnomAD no frequency). This variant has not been reported in the literature in individuals affected with ASAH1-related conditions. This variant disrupts a region of the ASAH1 protein in which other variant(s) (p.Trp395Cys) have been observed in individuals with ASAH1-related conditions (PMID: 32449975). This suggests that this is a clinically significant region of the protein, and that variants that disrupt it are likely to be disease-causing. In summary, the available evidence is currently insufficient to determine the role of this variant in disease. Therefore, it has been classified as a Variant of Uncertain Significance.

Literature cited by the submitters: PubMed 32449975.